The following is an entry in ClinVar:

NM_001040108.2(MLH3):c.3485G>C (p.Ser1162Thr)

Gene: MLH3 (mutL homolog 3; minus strand). Cytogenetic location: 14q24.3.
Variant type: single nucleotide variant.
Coding change: c.3485G>C on transcript NM_001040108.2 (MANE Select); coding-DNA position 3485, G replaced by C.
Protein change: p.Ser1162Thr; replaces serine 1162 with threonine.
Molecular consequence: missense variant.
Genome position (GRCh38, 1-based): chr14:75,039,996, C>G on the plus strand (G>C on the coding strand, the complement: MLH3 is on the minus strand). VCF-style: chr14-75039996-C-G. GRCh37 (hg19) VCF-style: chr14-75506699-C-G.
Other names: c.3485G>C, p.Ser1162Thr (NM_014381.3); short protein forms S1162T.
Identifiers: ClinVar variation 1731873 (VCV001731873.5), dbSNP rs750008783, ClinGen allele CA7275469.
Genomic context (GRCh38, chr14:75,039,996, plus strand): 5'-GTGAAACGATAGGGATACAAGATGTTGTGAATTTTAACTGCTAAGCTCTCAGCCTGGCCA[C>G]TGCTTACATCAACAGCAACCTAGAAAGACTCAGCAAAATATAATTGAAATTTTAATTTTT-3'
Protein context (NP_001035197.1, residues 1152-1172): RYPEVAVDVS[Ser1162Thr]GQAESLAVKI

ClinVar aggregate classification (germline): Uncertain significance. Review status: criteria provided, multiple submitters, no conflicts (2 of 4 stars). 2 submissions from 2 submitters: Uncertain significance (2). Last evaluated 2024-07-17.

Conditions:
Colorectal cancer, hereditary nonpolyposis, type 7. Identifiers: Orphanet 144, MedGen C1858380, MONDO:0013725, OMIM 614385.

Allele frequency attached by ClinVar (database versions not stated): gnomAD exomes below 0.00001; ExAC 0.00001; gnomAD 0.00002.
gnomAD v4.1: 5 of 1,587,738 alleles (0.00031%); highest among the groups gnomAD compares: African/African-American, 0.0067%; no homozygotes.

Submissions (2):

Labcorp Genetics (formerly Invitae), Labcorp
Classification: Uncertain significance for Colorectal cancer, hereditary nonpolyposis, type 7. Last evaluated: 2024-07-17. Review status: criteria provided, single submitter. Criteria: Invitae Variant Classification Sherloc (09022015). Collection method: clinical testing. Allele origin: germline.
Comment: This sequence change replaces serine, which is neutral and polar, with threonine, which is neutral and polar, at codon 1162 of the MLH3 protein (p.Ser1162Thr). This variant is present in population databases (rs750008783, gnomAD 0.007%). This variant has not been reported in the literature in individuals affected with MLH3-related conditions. ClinVar contains an entry for this variant (Variation ID: 1731873). An algorithm developed to predict the effect of missense changes on protein structure and function (PolyPhen-2) suggests that this variant is likely to be tolerated. In summary, the available evidence is currently insufficient to determine the role of this variant in disease. Therefore, it has been classified as a Variant of Uncertain Significance.

Ambry Genetics
Classification: Uncertain significance. Last evaluated: 2024-06-06. Review status: criteria provided, single submitter. Criteria: Ambry Variant Classification Scheme 2023. Collection method: clinical testing. Allele origin: germline.
Comment: The p.S1162T variant (also known as c.3485G>C), located in coding exon 4 of the MLH3 gene, results from a G to C substitution at nucleotide position 3485. The serine at codon 1162 is replaced by threonine, an amino acid with similar properties. This amino acid position is conserved. In addition, this alteration is predicted to be tolerated by in silico analysis. Since supporting evidence is limited at this time, the clinical significance of this alteration remains unclear.